The following is an entry in ClinVar:

NM_001378454.1(ALMS1):c.1496_1497insGGG (p.Thr499_Thr500insGly)

Gene: ALMS1 (ALMS1 centrosome and basal body associated protein; plus strand). Cytogenetic location: 2p13.1.
Variant type: Insertion.
Coding change: c.1496_1497insGGG on transcript NM_001378454.1 (MANE Select); coding-DNA positions 1496 to 1497, GGG inserted.
Protein change: p.Thr499_Thr500insGly.
Molecular consequence: inframe insertion.
Genome position: GRCh38 VCF-style: chr2-73448023-C-CGGG. GRCh37 (hg19) VCF-style: chr2-73675153-C-CGGG.
Other names: c.1499_1500insGGG, p.Thr500_Thr501insGly (NM_015120.4).
Identifiers: ClinVar variation 4984607 (VCV004984607.1).
Genomic context (GRCh38, chr2:73,448,023, plus strand): 5'-ACACTTCTAAAGGAGGCATAGCTAAAGTTACTCAATCCAACTTGAAGTCAGGCATCACTA[C>CGGG]CACTCCTGTTGATTCAGACATTGGATCTCATTTATCCTTGTCCCTTGAGGACCTGTCTCA-3'

ClinVar aggregate classification (germline): Uncertain significance (1 of 4 stars; one submission).

Conditions:
ALMS1-related disorder. Also called: ALMS1-related condition.

Submission:

PreventionGenetics, part of Exact Sciences
Classification: Uncertain significance for ALMS1-related condition. Last evaluated: 2025-02-05. Review status: criteria provided, single submitter. Criteria: ACMG Guidelines, 2015. Collection method: clinical testing. Allele origin: germline.
Comment: The ALMS1 c.1499_1500insGGG variant is predicted to result in an in-frame amino acid insertion (p.Thr500_Pro501insGly). To our knowledge, this variant has not been reported in the literature. This variant is reported in 0.0065% of alleles in individuals of African descent in gnomAD. At this time, the clinical significance of this variant is uncertain due to the absence of conclusive functional and genetic evidence.